The following is an entry in ClinVar:

NM_001033855.3(DCLRE1C):c.240del (p.Lys80fs)

Gene: DCLRE1C (DNA cross-link repair 1C; minus strand). Cytogenetic location: 10p13.
Variant type: Deletion.
Coding change: c.240del on transcript NM_001033855.3 (MANE Select); coding-DNA position 240, one base deleted (A; older notation c.240delA).
Protein change: p.Lys80fs; shifts the reading frame from lysine 80.
Molecular consequence: frameshift variant. On other transcripts: 5 prime UTR variant (8), non-coding transcript variant (4), intron variant (1).
Genome position (GRCh38, 1-based): chr10:14,945,111, T deleted on the plus strand (A on the coding strand, the reverse complement: DCLRE1C is on the minus strand); the first of 3 consecutive T bases (chr10:14,945,111-14,945,113); deleting any one gives the same sequence. VCF-style (leftmost placement, unchanged base first): chr10-14945110-GT-G. GRCh37 (hg19) VCF-style: chr10-14987109-GT-G.
Other names: c.-121del (NM_001033857.3, NM_001289077.2, NM_001350967.2); c.-443del (NM_001033858.3, NM_001289079.2); c.-50del (NM_001289078.2, NM_001350966.2, NM_022487.4); c.240del, p.Lys80fs (NM_001350965.2); c.-44+3925del (NM_001289076.2); short protein forms K80fs.
Identifiers: ClinVar variation 4814549 (VCV004814549.1).

ClinVar aggregate classification (germline): Likely pathogenic (1 of 4 stars; one submission).

Conditions:
Athabaskan severe combined immunodeficiency (SCIDA). Also called: Severe combined immunodeficiency, athabascan-type. Identifiers: MedGen C1865370.

Submission:

Natera, Inc.
Classification: Likely pathogenic for Athabascan severe combined immunodeficiency. Last evaluated: 2025-09-26. Review status: criteria provided, single submitter. Criteria: Natera Variant Classification Schema (03/2026). Collection method: clinical testing. Allele origin: germline.
Comment: The c.240del variant in DCLRE1C is a frameshift variant predicted to shift the reading frame beginning at codon 80 and leads to a stop codon 16 codons downstream. This variant is expected to result in nonsense mediated decay, truncation, or a dysfunctional protein product. This variant is rare in the general population with a frequency below the threshold expected for the associated phenotype(s). Given the available evidence, this variant is classified as Likely Pathogenic.